The following is an entry in ClinVar:

ClinVar aggregate classification (germline): Likely benign (1 of 4 stars; one submission).

gnomAD v4.1: 222 of 1,613,904 alleles (0.014%); highest among the groups gnomAD compares: Non-Finnish European, 0.017%; no homozygotes.

Submission:

CeGaT Center for Human Genetics Tuebingen
Classification: Likely benign. Last evaluated: 2026-09-01. Review status: criteria provided, single submitter. Criteria: CeGaT Center For Human Genetics Tuebingen Variant Classification Criteria Version 2. Collection method: clinical testing. Allele origin: germline. Affected: yes. Observed: 1 variant allele.
Comment: GPR87: BP4, BP7

NM_023915.4(GPR87):c.876A>G (p.Leu292=)

Genes: GPR87 (G protein-coupled receptor 87; minus strand), MED12L (mediator complex subunit 12L; plus strand). Cytogenetic location: 3q25.1.
Variant type: single nucleotide variant.
Coding change: c.876A>G on transcript NM_023915.4 (MANE Select); coding-DNA position 876, A replaced by G.
Protein change: p.Leu292=; no amino-acid change (leucine 292 retained).
Molecular consequence: synonymous variant. On other transcripts: intron variant (2).
Genome position (GRCh38, 1-based): chr3:151,294,370, T>C on the plus strand (A>G on the coding strand, the complement: GPR87 is on the minus strand). VCF-style: chr3-151294370-T-C. GRCh37 (hg19) VCF-style: chr3-151012158-T-C.
Other names: c.2251-55689T>C (NM_001393769.1); c.2146-55689T>C (NM_053002.6).
Identifiers: ClinVar variation 5041204 (VCV005041204.1).